The following is an entry in ClinVar:

ClinVar aggregate classification (germline): Uncertain significance (1 of 4 stars; one submission).

Conditions:
Hereditary cancer-predisposing syndrome. Also called: Neoplastic Syndromes, Hereditary; Tumor predisposition; Hereditary Cancer Syndrome; Hereditary neoplastic syndrome. Identifiers: Orphanet 140162, MedGen C0027672, MeSH D009386, MONDO:0015356.

Submission:

Ambry Genetics
Classification: Uncertain significance for Hereditary cancer-predisposing syndrome. Last evaluated: 2026-05-21. Review status: criteria provided, single submitter. Criteria: Ambry Variant Classification Scheme 2023. Collection method: clinical testing. Allele origin: germline.
Comment: The p.G784V variant (also known as c.2351G>T), located in coding exon 18 of the POLD1 gene, results from a G to T substitution at nucleotide position 2351. The glycine at codon 784 is replaced by valine, an amino acid with dissimilar properties. This amino acid position is conserved. In addition, this alteration is predicted to be tolerated by in silico analysis. Based on the available evidence, the clinical significance of this variant remains unclear.

NM_002691.4(POLD1):c.2351G>T (p.Gly784Val)

Gene: POLD1 (DNA polymerase delta 1, catalytic subunit; plus strand). Cytogenetic location: 19q13.33.
Variant type: single nucleotide variant.
Coding change: c.2351G>T on transcript NM_002691.4 (MANE Select); coding-DNA position 2351, G replaced by T.
Protein change: p.Gly784Val; replaces glycine 784 with valine.
Molecular consequence: missense variant. On other transcripts: non-coding transcript variant (1).
Genome position (GRCh38, 1-based): chr19:50,413,842, G>T. VCF-style: chr19-50413842-G-T. GRCh37 (hg19) VCF-style: chr19-50917099-G-T.
Other names: c.2351G>T, p.Gly784Val (NM_001256849.1, NM_001438212.1, NM_001438213.1); c.2429G>T, p.Gly810Val (NM_001308632.1); c.2279G>T, p.Gly760Val (NM_001438210.1, NM_001438211.1); short protein forms G760V, G784V, G810V.
Identifiers: ClinVar variation 4862205 (VCV004862205.1).